The following is an entry in ClinVar:

NM_001371727.1(GABRB2):c.1513G>A (p.Val505Ile)

Gene: GABRB2 (gamma-aminobutyric acid type A receptor subunit beta2; minus strand). Cytogenetic location: 5q34.
Variant type: single nucleotide variant.
Coding change: c.1513G>A on transcript NM_001371727.1 (MANE Select); coding-DNA position 1513, G replaced by A.
Protein change: p.Val505Ile; replaces valine 505 with isoleucine.
Molecular consequence: missense variant.
Genome position (GRCh38, 1-based): chr5:161,294,107, C>T on the plus strand (G>A on the coding strand, the complement: GABRB2 is on the minus strand). VCF-style: chr5-161294107-C-T. GRCh37 (hg19) VCF-style: chr5-160721114-C-T.
Other names: c.1399G>A, p.Val467Ile (NM_000813.3); c.1513G>A, p.Val505Ile (NM_021911.3); short protein forms V467I, V505I.
Identifiers: ClinVar variation 864042 (VCV000864042.11), dbSNP rs1218503196, ClinGen allele CA362172746.

ClinVar aggregate classification (germline): Uncertain significance. Review status: criteria provided, multiple submitters, no conflicts (2 of 4 stars). 2 submissions from 2 submitters: Uncertain significance (2). Last evaluated 2025-07-07.

Conditions:
Inborn genetic diseases. Identifiers: MedGen C0950123, MeSH D030342.
Intellectual disability. Also called: Intellectual developmental disorder; Intellectual functioning disability; intellectual disabilities. Identifiers: MedGen C3714756, MeSH D008607, MONDO:0001071, HP:0001249.

Allele frequency attached by ClinVar (database versions not stated): gnomAD 0.00001; gnomAD exomes below 0.00001; TOPMed below 0.00001.
gnomAD v4.1: 11 of 1,613,096 alleles (0.00068%); highest among the groups gnomAD compares: East Asian, 0.0045%; no homozygotes.

Submissions (2):

Labcorp Genetics (formerly Invitae), Labcorp
Classification: Uncertain significance for Intellectual disability. Last evaluated: 2025-07-07. Review status: criteria provided, single submitter. Criteria: Invitae Variant Classification Sherloc (09022015). Collection method: clinical testing. Allele origin: germline.
Comment: This sequence change replaces valine, which is neutral and non-polar, with isoleucine, which is neutral and non-polar, at codon 505 of the GABRB2 protein (p.Val505Ile). This variant is present in population databases (no rsID available, gnomAD 0.0009%). This variant has not been reported in the literature in individuals affected with GABRB2-related conditions. ClinVar contains an entry for this variant (Variation ID: 864042). Invitae Evidence Modeling of protein sequence and biophysical properties (such as structural, functional, and spatial information, amino acid conservation, physicochemical variation, residue mobility, and thermodynamic stability) indicates that this missense variant is not expected to disrupt GABRB2 protein function with a negative predictive value of 95%. In summary, the available evidence is currently insufficient to determine the role of this variant in disease. Therefore, it has been classified as a Variant of Uncertain Significance.

Ambry Genetics
Classification: Uncertain significance for Inborn genetic diseases. Last evaluated: 2021-09-17. Review status: criteria provided, single submitter. Criteria: Ambry Variant Classification Scheme 2023. Collection method: clinical testing. Allele origin: germline.